The following is an entry in ClinVar:

NM_139276.3(STAT3):c.1233+31G>A

Gene: STAT3 (signal transducer and activator of transcription 3; minus strand). Cytogenetic location: 17q21.2.
Variant type: single nucleotide variant.
Coding change: c.1233+31G>A on transcript NM_139276.3 (MANE Select); 31 bases into the intron after coding-DNA position 1233, G replaced by A.
Molecular consequence: intron variant.
Genome position (GRCh38, 1-based): chr17:42,329,523, C>T on the plus strand (G>A on the coding strand, the complement: STAT3 is on the minus strand). VCF-style: chr17-42329523-C-T. GRCh37 (hg19) VCF-style: chr17-40481541-C-T.
Other names: c.1137+31G>A (NM_001384989.1); c.1173+31G>A (NM_001384992.1); c.1233+31G>A (NM_001384984.1, NM_001369519.1, NM_003150.4 and 12 more transcripts); c.1155+31G>A (NM_001384985.1); c.1248+31G>A (NM_001384986.1, NM_001384990.1).
Identifiers: ClinVar variation 3024760 (VCV003024760.22), dbSNP rs112644937, ClinGen allele CA8575405.
Genomic context (GRCh38, chr17:42,329,523, plus strand): 5'-AGAAAAGAAAAAGGCAGGTGTCCTGTGAGGCTCTCCCTAGCCCTCTCCGGCAGCCAGAGG[C>T]CCTTTGTGAAGGGGAGCTCCTCCCACATACCAAGTGTTTGAATTCTGCAGAGAGGCTGCC-3'

ClinVar aggregate classification (germline): Likely benign (1 of 4 stars; one submission).

Allele frequency attached by ClinVar (database versions not stated): TOPMed 0.00138; 1000 Genomes Project 30x 0.00141; gnomAD exomes 0.00152; ExAC 0.00105; ESP Exome Variant Server 0.00115; gnomAD 0.00119; 1000 Genomes Project 0.00120.
gnomAD v4.1: 2,386 of 1,614,142 alleles (0.15%); highest among the groups gnomAD compares: Admixed American, 0.29%; 5 homozygotes.

Submission:

CeGaT Center for Human Genetics Tuebingen
Classification: Likely benign. Last evaluated: 2024-11-01. Review status: criteria provided, single submitter. Criteria: CeGaT Center For Human Genetics Tuebingen Variant Classification Criteria Version 2. Collection method: clinical testing. Allele origin: germline. Affected: yes. Observed: 3 variant alleles.
Comment: STAT3: PP2, BS1